The following is an entry in ClinVar:

ClinVar aggregate classification (germline): Conflicting classifications of pathogenicity. Review status: criteria provided, conflicting classifications (1 of 4 stars). 2 submissions from 2 submitters: Uncertain significance (1); Likely benign (1). Last evaluated 2023-05-22.

Submissions (2):

Labcorp Genetics (formerly Invitae), Labcorp
Classification: Likely benign. Last evaluated: 2023-05-22. Review status: criteria provided, single submitter. Criteria: Invitae Variant Classification Sherloc (09022015). Collection method: clinical testing. Allele origin: germline.

GeneDx
Classification: Uncertain significance. Last evaluated: 2023-02-14. Review status: criteria provided, single submitter. Criteria: GeneDx Variant Classification Process June 2021. Collection method: clinical testing. Allele origin: germline. Affected: yes.
Comment: Not observed at significant frequency in large population cohorts (gnomAD); In-frame duplication of 7 amino acids in a non-repeat region; Has not been previously published as pathogenic or benign to our knowledge

NM_004958.4(MTOR):c.5485_5505dup (p.Thr1829_Ala1835dup)

Gene: MTOR (mechanistic target of rapamycin kinase; minus strand). Cytogenetic location: 1p36.22.
Variant type: Duplication.
Coding change: c.5485_5505dup on transcript NM_004958.4 (MANE Select); coding-DNA positions 5485 to 5505, 21 bases duplicated (ACCACTGCCGCCACCACGGCC).
Protein change: p.Thr1829_Ala1835dup.
Molecular consequence: inframe insertion.
Genome position (GRCh38, 1-based): chr1:11,130,637-11,130,657, GGCCGTGGTGGCGGCAGTGGT duplicated on the plus strand (ACCACTGCCGCCACCACGGCC on the coding strand, the reverse complement: MTOR is on the minus strand); duplicating any 21 consecutive bases within chr1:11,130,637-11,130,660 gives the same sequence; the c. name uses the placement nearest the transcript's 3' end. VCF-style (leftmost placement, unchanged base first): chr1-11130636-C-CGGCCGTGGTGGCGGCAGTGGT. GRCh37 (hg19) VCF-style: chr1-11190693-C-CGGCCGTGGTGGCGGCAGTGGT.
Identifiers: ClinVar variation 843310 (VCV000843310.10), dbSNP rs1643098054, ClinGen allele CA916081994.